The following is an entry in ClinVar:

ClinVar aggregate classification (germline): Pathogenic (1 of 4 stars; one submission).

Conditions:
Autosomal recessive polycystic kidney disease (ARPKD). Also called: AR polycystic kidney disease. Identifiers: Orphanet 731, Orphanet 8378, MedGen C0085548, MeSH D017044, MONDO:0009889.

Submission:

Labcorp Genetics (formerly Invitae), Labcorp
Classification: Pathogenic for Autosomal recessive polycystic kidney disease. Last evaluated: 2022-01-26. Review status: criteria provided, single submitter. Criteria: Invitae Variant Classification Sherloc (09022015). Collection method: clinical testing. Allele origin: germline.
Comment: For these reasons, this variant has been classified as Pathogenic. This variant has not been reported in the literature in individuals affected with PKHD1-related conditions. This variant is present in population databases (no rsID available, gnomAD 0.0009%). This sequence change creates a premature translational stop signal (p.Phe380Leufs*8) in the PKHD1 gene. It is expected to result in an absent or disrupted protein product. Loss-of-function variants in PKHD1 are known to be pathogenic (PMID: 19940839).

Literature cited by the submitters: PubMed 19940839.

NM_138694.4(PKHD1):c.1136dup (p.Phe380fs)

Gene: PKHD1 (PKHD1 ciliary IPT domain containing fibrocystin/polyductin; minus strand). Cytogenetic location: 6p12.2.
Variant type: Duplication.
Coding change: c.1136dup on transcript NM_138694.4 (MANE Select); coding-DNA position 1136, one base duplicated (T; older notation c.1136dupT).
Protein change: p.Phe380fs; shifts the reading frame from phenylalanine 380.
Molecular consequence: frameshift variant.
Genome position (GRCh38, 1-based): chr6:52,060,025, A duplicated on the plus strand (T on the coding strand, the reverse complement: PKHD1 is on the minus strand); the first of 2 consecutive A bases (chr6:52,060,025-52,060,026); duplicating either gives the same sequence. VCF-style (leftmost placement, unchanged base first): chr6-52060024-G-GA. GRCh37 (hg19) VCF-style: chr6-51924822-G-GA.
Other names: c.1136dup, p.Phe380fs (NM_170724.3); short protein forms F380fs.
Identifiers: ClinVar variation 2089773 (VCV002089773.4), dbSNP rs1300745978, ClinGen allele CA567295364.